The following is an entry in ClinVar:

ClinVar aggregate classification (germline): Uncertain significance (1 of 4 stars; one submission).

gnomAD v4.1: 3 of 1,614,132 alleles (0.00019%); highest among the groups gnomAD compares: Non-Finnish European, 0.00017%; no homozygotes.

Submission:

GeneDx
Classification: Uncertain significance. Last evaluated: 2024-05-07. Review status: criteria provided, single submitter. Criteria: GeneDx Variant Classification Process June 2021. Collection method: clinical testing. Allele origin: germline. Affected: yes.
Comment: Not observed at significant frequency in large population cohorts (gnomAD); In silico analysis supports that this missense variant has a deleterious effect on protein structure/function; Has not been previously published as pathogenic or benign to our knowledge; In silico analysis is inconclusive as to whether the variant alters gene splicing. In the absence of RNA/functional studies, the actual effect of this sequence change is unknown.

NM_001374828.1(ARID1B):c.6704A>G (p.Tyr2235Cys)

Gene: ARID1B (AT-rich interaction domain 1B; plus strand). Cytogenetic location: 6q25.3.
Variant type: single nucleotide variant.
Coding change: c.6704A>G on transcript NM_001374828.1 (MANE Select); coding-DNA position 6704, A replaced by G.
Protein change: p.Tyr2235Cys; replaces tyrosine 2235 with cysteine.
Molecular consequence: missense variant.
Genome position (GRCh38, 1-based): chr6:157,207,476, A>G. VCF-style: chr6-157207476-A-G. GRCh37 (hg19) VCF-style: chr6-157528610-A-G.
Other names: c.4205A>G, p.Tyr1402Cys (NM_001363725.2); c.6584A>G, p.Tyr2195Cys (NM_001371656.1, NM_001374820.1); c.6545A>G, p.Tyr2182Cys (NM_017519.3); c.6335A>G (NM_020732.3); short protein forms Y1402C, Y2182C, Y2195C, Y2235C.
Identifiers: ClinVar variation 3375594 (VCV003375594.1).